The following is an entry in ClinVar:

NM_031407.7(HUWE1):c.10534A>G (p.Thr3512Ala)

Gene: HUWE1 (HECT, UBA and WWE domain containing E3 ubiquitin protein ligase 1; minus strand). Cytogenetic location: Xp11.22.
Variant type: single nucleotide variant.
Coding change: c.10534A>G on transcript NM_031407.7 (MANE Select); coding-DNA position 10534, A replaced by G.
Protein change: p.Thr3512Ala; replaces threonine 3512 with alanine.
Molecular consequence: missense variant.
Genome position (GRCh38, 1-based): chrX:53,547,775, T>C on the plus strand (A>G on the coding strand, the complement: HUWE1 is on the minus strand). VCF-style: chrX-53547775-T-C. GRCh37 (hg19) VCF-style: chrX-53574736-T-C.
Other names: short protein forms T3512A.
Identifiers: ClinVar variation 1800500 (VCV001800500.1), dbSNP rs2523119281, ClinGen allele CA413135383.

ClinVar aggregate classification (germline): Uncertain significance (1 of 4 stars; one submission).

Allele frequency attached by ClinVar (database versions not stated): gnomAD exomes below 0.00001.
gnomAD v4.1: 2 of 1,201,097 alleles (0.00017%); highest among the groups gnomAD compares: Non-Finnish European, 0.00022%; no homozygotes.

Submission:

GeneDx
Classification: Uncertain significance. Last evaluated: 2022-05-15. Review status: criteria provided, single submitter. Criteria: GeneDx Variant Classification Process June 2021. Collection method: clinical testing. Allele origin: germline. Affected: yes.
Comment: Not observed at significant frequency in large population cohorts (gnomAD); In silico analysis supports that this missense variant does not alter protein structure/function; Has not been previously published as pathogenic or benign to our knowledge